The following is an entry in ClinVar:

NM_001194998.2(CEP152):c.1498G>T (p.Glu500Ter)

Gene: CEP152 (centrosomal protein 152; minus strand). Cytogenetic location: 15q21.1.
Variant type: single nucleotide variant.
Coding change: c.1498G>T on transcript NM_001194998.2 (MANE Select); coding-DNA position 1498, G replaced by T.
Protein change: p.Glu500Ter; replaces glutamic acid 500 with a stop codon.
Molecular consequence: nonsense.
Genome position (GRCh38, 1-based): chr15:48,781,275, C>A on the plus strand (G>T on the coding strand, the complement: CEP152 is on the minus strand). VCF-style: chr15-48781275-C-A. GRCh37 (hg19) VCF-style: chr15-49073472-C-A.
Other names: c.1498G>T, p.Glu500Ter (NM_014985.4); short protein forms E500*.
Identifiers: ClinVar variation 5005427 (VCV005005427.2).

ClinVar aggregate classification (germline): Likely pathogenic (1 of 4 stars; one submission).

Conditions:
Microcephaly 9, primary, autosomal recessive. Identifiers: Orphanet 2512, MedGen C3553886, MONDO:0013923, OMIM 614852.
Seckel syndrome 5 (SCKL5). Identifiers: Orphanet 808, MedGen C3151187, MONDO:0013443, OMIM 613823.

Submission:

Juno Genomics, Hangzhou Juno Genomics, Inc
Classification: Likely pathogenic for Microcephaly 9, primary, autosomal recessive; Seckel syndrome 5. Review status: criteria provided, single submitter. Criteria: ACMG Guidelines, 2015. Collection method: clinical testing. Allele origin: germline.
Comment: Null variant in a gene where loss of function (LOF) is a known mechanism of disease.;Absent from controls (or at extremely low frequency if recessive) in Genome Aggregation Database.